The following is an entry in ClinVar:

ClinVar aggregate classification (germline): Uncertain significance (0 of 4 stars; one submission).

Conditions:
SDCCAG8-related disorder. Also called: SDCCAG8-Related Disorders; SDCCAG8-related condition.

gnomAD v4.1: 1 of 1,614,120 alleles (0.000062%); highest among the groups gnomAD compares: Non-Finnish European, 0.000085%; no homozygotes.

Submission:

PreventionGenetics, part of Exact Sciences
Classification: Uncertain significance for SDCCAG8-related condition. Last evaluated: 2024-04-04. Review status: no assertion criteria provided. Collection method: clinical testing. Allele origin: germline.
Comment: The SDCCAG8 c.36G>C variant is predicted to result in the amino acid substitution p.Glu12Asp. To our knowledge, this variant has not been reported in the literature or in a large population database, indicating this variant is rare. At this time, the clinical significance of this variant is uncertain due to the absence of conclusive functional and genetic evidence.

NM_006642.5(SDCCAG8):c.36G>C (p.Glu12Asp)

Gene: SDCCAG8 (SHH signaling and ciliogenesis regulator SDCCAG8; plus strand). Cytogenetic location: 1q43.
Variant type: single nucleotide variant.
Coding change: c.36G>C on transcript NM_006642.5 (MANE Select); coding-DNA position 36, G replaced by C.
Protein change: p.Glu12Asp; replaces glutamic acid 12 with aspartic acid.
Molecular consequence: missense variant. On other transcripts: 5 prime UTR variant (4).
Genome position (GRCh38, 1-based): chr1:243,256,209, G>C. VCF-style: chr1-243256209-G-C. GRCh37 (hg19) VCF-style: chr1-243419511-G-C.
Other names: c.-1077G>C (NM_001350246.2); c.-965G>C (NM_001350247.2); c.36G>C, p.Glu12Asp (NM_001350248.2); c.-272G>C (NM_001350249.2); c.-1338G>C (NM_001350251.2); short protein forms E12D.
Identifiers: ClinVar variation 3348745 (VCV003348745.1).